The following is an entry in ClinVar:

ClinVar aggregate classification (germline): Uncertain significance (1 of 4 stars; one submission).

gnomAD v4.1: 1 of 1,613,442 alleles (0.000062%); highest among the groups gnomAD compares: East Asian, 0.0022%; no homozygotes.

Submission:

GeneDx
Classification: Uncertain significance. Last evaluated: 2024-03-05. Review status: criteria provided, single submitter. Criteria: GeneDx Variant Classification Process June 2021. Collection method: clinical testing. Allele origin: germline. Affected: yes.
Comment: Not observed at significant frequency in large population cohorts (gnomAD); In silico analysis supports that this missense variant has a deleterious effect on protein structure/function; Has not been previously published as pathogenic or benign to our knowledge

NM_015335.5(MED13L):c.5281C>G (p.Pro1761Ala)

Gene: MED13L (mediator complex subunit 13L; minus strand). Cytogenetic location: 12q24.21.
Variant type: single nucleotide variant.
Coding change: c.5281C>G on transcript NM_015335.5 (MANE Select); coding-DNA position 5281, C replaced by G.
Protein change: p.Pro1761Ala; replaces proline 1761 with alanine.
Molecular consequence: missense variant.
Genome position (GRCh38, 1-based): chr12:115,980,833, G>C on the plus strand (C>G on the coding strand, the complement: MED13L is on the minus strand). VCF-style: chr12-115980833-G-C. GRCh37 (hg19) VCF-style: chr12-116418638-G-C.
Other names: short protein forms P1761A.
Identifiers: ClinVar variation 3373719 (VCV003373719.1).